The following is an entry in ClinVar:

NM_006218.4(PIK3CA):c.61C>A (p.Leu21Ile)

Gene: PIK3CA (phosphatidylinositol-4,5-bisphosphate 3-kinase catalytic subunit alpha; plus strand). Cytogenetic location: 3q26.32.
Variant type: single nucleotide variant.
Coding change: c.61C>A on transcript NM_006218.4 (MANE Select); coding-DNA position 61, C replaced by A.
Protein change: p.Leu21Ile; replaces leucine 21 with isoleucine.
Molecular consequence: missense variant.
Genome position (GRCh38, 1-based): chr3:179,198,886, C>A. VCF-style: chr3-179198886-C-A. GRCh37 (hg19) VCF-style: chr3-178916674-C-A.
Other names: short protein forms L21I.
Identifiers: ClinVar variation 2724084 (VCV002724084.3), dbSNP rs781473521, ClinGen allele CA355270715.

ClinVar aggregate classification (germline): Uncertain significance (1 of 4 stars; one submission).

Conditions:
Cowden syndrome (CS). Also called: Cowden's disease; Cowden's syndrome; Cowden disease. Identifiers: Orphanet 201, MedGen C0018553, MONDO:0016063. Disease mechanism: gain of function.

Submission:

Labcorp Genetics (formerly Invitae), Labcorp
Classification: Uncertain significance for Cowden syndrome. Last evaluated: 2023-06-22. Review status: criteria provided, single submitter. Criteria: Invitae Variant Classification Sherloc (09022015). Collection method: clinical testing. Allele origin: germline.
Comment: This sequence change replaces leucine, which is neutral and non-polar, with isoleucine, which is neutral and non-polar, at codon 21 of the PIK3CA protein (p.Leu21Ile). This variant is not present in population databases (gnomAD no frequency). This variant has not been reported in the literature in individuals affected with PIK3CA-related conditions. Advanced modeling of protein sequence and biophysical properties (such as structural, functional, and spatial information, amino acid conservation, physicochemical variation, residue mobility, and thermodynamic stability) has been performed at Invitae for this missense variant, however the output from this modeling did not meet the statistical confidence thresholds required to predict the impact of this variant on PIK3CA protein function. In summary, the available evidence is currently insufficient to determine the role of this variant in disease. Therefore, it has been classified as a Variant of Uncertain Significance.